The following is an entry in ClinVar:

NM_177438.3(DICER1):c.4132G>A (p.Val1378Met)

Gene: DICER1 (dicer 1, ribonuclease III; minus strand). Cytogenetic location: 14q32.13.
Variant type: single nucleotide variant.
Coding change: c.4132G>A on transcript NM_177438.3 (MANE Select); coding-DNA position 4132, G replaced by A.
Protein change: p.Val1378Met; replaces valine 1378 with methionine.
Molecular consequence: missense variant. On other transcripts: non-coding transcript variant (6).
Genome position (GRCh38, 1-based): chr14:95,099,854, C>T on the plus strand (G>A on the coding strand, the complement: DICER1 is on the minus strand). VCF-style: chr14-95099854-C-T. GRCh37 (hg19) VCF-style: chr14-95566191-C-T.
Other names: c.4132G>A, p.Val1378Met (NM_001195573.1, NM_001271282.3, NM_001291628.2 and 13 more transcripts); c.3850G>A, p.Val1284Met (NM_001395686.1); c.3727G>A, p.Val1243Met (NM_001395687.1, NM_001395688.1, NM_001395689.1 and 2 more transcripts); c.3565G>A, p.Val1189Met (NM_001395691.1); c.2449G>A, p.Val817Met (NM_001395697.1); short protein forms V1284M, V1378M, V1243M, V817M, V1189M.
Identifiers: ClinVar variation 1738095 (VCV001738095.2), dbSNP rs2542600524, ClinGen allele CA390872002.
Genomic context (GRCh38, chr14:95,099,854, plus strand): 5'-CCCATTTATCTGTGTTGCTTTTGTCTTGATTTACTACATAACCAGGAGGAAGCCAATTCA[C>T]AGGGGGATCAAATATTGACACCACCATGCGGCTGGGTAGTCCCTTCTTTTTTCCAAGGCG-3'
Protein context (NP_803187.1, residues 1368-1388): RMVVSIFDPP[Val1378Met]NWLPPGYVVN

ClinVar aggregate classification (germline): Uncertain significance (1 of 4 stars; one submission).

Conditions:
Hereditary cancer-predisposing syndrome. Also called: Neoplastic Syndromes, Hereditary; Tumor predisposition; Hereditary Cancer Syndrome; Hereditary neoplastic syndrome. Identifiers: Orphanet 140162, MedGen C0027672, MeSH D009386, MONDO:0015356.

Submission:

Ambry Genetics
Classification: Uncertain significance for Hereditary cancer-predisposing syndrome. Last evaluated: 2020-09-23. Review status: criteria provided, single submitter. Criteria: Ambry Variant Classification Scheme 2023. Collection method: clinical testing. Allele origin: germline.
Comment: The p.V1378M variant (also known as c.4132G>A), located in coding exon 21 of the DICER1 gene, results from a G to A substitution at nucleotide position 4132. The valine at codon 1378 is replaced by methionine, an amino acid with highly similar properties. This amino acid position is highly conserved in available vertebrate species. In addition, the in silico prediction for this alteration is inconclusive. Since supporting evidence is limited at this time, the clinical significance of this alteration remains unclear.